The following is an entry in ClinVar:

ClinVar aggregate classification (germline): Pathogenic. Review status: criteria provided, single submitter (1 of 4 stars). 2 submissions from 2 submitters: Pathogenic (1). 1 of the submissions does not count toward it. Last evaluated 2022-11-07.

Conditions:
Catecholaminergic polymorphic ventricular tachycardia 1. Also called: VENTRICULAR TACHYCARDIA, STRESS-INDUCED POLYMORPHIC 1; VENTRICULAR TACHYCARDIA, CATECHOLAMINERGIC POLYMORPHIC, 1, WITH OR WITHOUT ATRIAL DYSFUNCTION AND/OR DILATED CARDIOMYOPATHY; RYR2-Related Catecholaminergic Polymorphic Ventricular Tachycardia. Identifiers: Orphanet 3286, MedGen C1631597, MONDO:0011484, OMIM 604772.

Submissions (2):

Labcorp Genetics (formerly Invitae), Labcorp
Classification: Pathogenic for Catecholaminergic polymorphic ventricular tachycardia 1. Last evaluated: 2022-11-07. Review status: criteria provided, single submitter. Criteria: Invitae Variant Classification Sherloc (09022015). Collection method: clinical testing. Allele origin: germline.
Comment: For these reasons, this variant has been classified as Pathogenic. Experimental studies have shown that this missense change affects RYR2 function (PMID: 15364613, 22828895). Advanced modeling of protein sequence and biophysical properties (such as structural, functional, and spatial information, amino acid conservation, physicochemical variation, residue mobility, and thermodynamic stability) performed at Invitae indicates that this missense variant is expected to disrupt RYR2 protein function. ClinVar contains an entry for this variant (Variation ID: 12958). This missense change has been observed in individual(s) with autosomal dominant RYR2-related conditions (PMID: 11159936). It has also been observed to segregate with disease in related individuals. This variant is not present in population databases (gnomAD no frequency). This sequence change replaces asparagine, which is neutral and polar, with isoleucine, which is neutral and non-polar, at codon 2386 of the RYR2 protein (p.Asn2386Ile).

OMIM
Classification: Pathogenic for VENTRICULAR TACHYCARDIA, CATECHOLAMINERGIC POLYMORPHIC, 1. Last evaluated: 2001-02-01. Review status: no assertion criteria provided. Collection method: literature only. Allele origin: germline. Not counted in ClinVar's aggregate classification.

Literature cited by the submitters: PubMed 15364613 (cited by Labcorp Genetics (formerly Invitae), Labcorp); PubMed 22828895 (cited by Labcorp Genetics (formerly Invitae), Labcorp); PubMed 11159936 (cited by Labcorp Genetics (formerly Invitae), Labcorp and OMIM); PubMed 8589694 (cited by OMIM); PubMed 29543670 (cited by OMIM).

NM_001035.3(RYR2):c.7157A>T (p.Asn2386Ile)

Gene: RYR2 (ryanodine receptor 2; plus strand). Cytogenetic location: 1q43.
Variant type: single nucleotide variant.
Coding change: c.7157A>T on transcript NM_001035.3 (MANE Select); coding-DNA position 7157, A replaced by T.
Protein change: p.Asn2386Ile; replaces asparagine 2386 with isoleucine.
Molecular consequence: missense variant.
Genome position (GRCh38, 1-based): chr1:237,640,938, A>T. VCF-style: chr1-237640938-A-T. GRCh37 (hg19) VCF-style: chr1-237804238-A-T.
Other names: c.7157A>T, p.Asn2386Ile (LRG_402t1); short protein forms N2386I.
Identifiers: ClinVar variation 12958 (VCV000012958.6), dbSNP rs121918601, ClinGen allele CA010563.